The following is an entry in ClinVar:

NM_014363.6(SACS):c.8132C>T (p.Ser2711Leu)

Gene: SACS (sacsin molecular chaperone; minus strand). Cytogenetic location: 13q12.12.
Variant type: single nucleotide variant.
Coding change: c.8132C>T on transcript NM_014363.6 (MANE Select); coding-DNA position 8132, C replaced by T.
Protein change: p.Ser2711Leu; replaces serine 2711 with leucine.
Molecular consequence: missense variant.
Genome position (GRCh38, 1-based): chr13:23,335,744, G>A on the plus strand (C>T on the coding strand, the complement: SACS is on the minus strand). VCF-style: chr13-23335744-G-A. GRCh37 (hg19) VCF-style: chr13-23909883-G-A.
Other names: c.7691C>T, p.Ser2564Leu (NM_001278055.2); short protein forms S2564L, S2711L.
Identifiers: ClinVar variation 691964 (VCV000691964.13), dbSNP rs1213203489, ClinGen allele CA387517308.
Genomic context (GRCh38, chr13:23,335,744, plus strand): 5'-CGCAGTTTGTCCAAAAGATTCTGGACCATTCTGTCTGATGCTGGAACAGACGAAATTTCC[G>A]AAACTTTTGCCATTTCTGCATTACGAAGAGGAAATCTGAACATTGTGCAATTATCCAGTT-3'
Protein context (NP_055178.3, residues 2701-2721): PLRNAEMAKV[Ser2711Leu]EISSVPASDR

ClinVar aggregate classification (germline): Conflicting classifications of pathogenicity. Review status: criteria provided, conflicting classifications (1 of 4 stars). 8 submissions from 8 submitters: Pathogenic (1); Likely pathogenic (3); Uncertain significance (4). Last evaluated 2026-01-12.

Conditions:
Charlevoix-Saguenay spastic ataxia (SACS). Also called: SPASTIC ATAXIA 6, AUTOSOMAL RECESSIVE; AUTOSOMAL RECESSIVE SPASTIC ATAXIA OF CHARLEVOIX-SAGUENAY; Spastic ataxia of Charlevoix-Saguenay. Identifiers: Orphanet 98, MedGen C1849140, MONDO:0010041, OMIM 270550.
Spastic paraplegia. Identifiers: MedGen C0037772, HP:0001258.

Allele frequency attached by ClinVar (database versions not stated): TOPMed below 0.00001; gnomAD 0.00001; gnomAD exomes 0.00001.
gnomAD v4.1: 11 of 1,613,868 alleles (0.00068%); highest among the groups gnomAD compares: South Asian, 0.0022%; no homozygotes.

Submissions (8):

Labcorp Genetics (formerly Invitae), Labcorp
Classification: Pathogenic for Spastic paraplegia. Last evaluated: 2026-01-12. Review status: criteria provided, single submitter. Criteria: Invitae Variant Classification Sherloc (09022015). Collection method: clinical testing. Allele origin: germline.
Comment: This sequence change replaces serine, which is neutral and polar, with leucine, which is neutral and non-polar, at codon 2711 of the SACS protein (p.Ser2711Leu). This variant is present in population databases (no rsID available, gnomAD 0.003%). This missense change has been observed in individual(s) with clinical features of hereditary spastic paraplegia (PMID: 31920494, 32606552, 39039281; internal data). In at least one individual the data is consistent with being in trans (on the opposite chromosome) from a pathogenic variant. ClinVar contains an entry for this variant (Variation ID: 691964). Invitae Evidence Modeling of protein sequence and biophysical properties (such as structural, functional, and spatial information, amino acid conservation, physicochemical variation, residue mobility, and thermodynamic stability) has been performed for this missense variant. However, the output from this modeling did not meet the statistical confidence thresholds required to predict the impact of this variant on SACS protein function. For these reasons, this variant has been classified as Pathogenic.

Myriad Genetics, Inc.
Classification: Uncertain significance for Charlevoix-Saguenay spastic ataxia. Last evaluated: 2025-10-02. Review status: criteria provided, single submitter. Criteria: Myriad Autosomal Dominant, Autosomal Recessive and X-Linked Classification Criteria (2023). Collection method: clinical testing. Allele origin: unknown.
Comment: NM_014363.4(SACS):c.8132C>T(S2711L) is a missense variant classified as a variant of uncertain significance in the context of autosomal recessive spastic ataxia of Charlevoix-Saguenay. S2711L has been observed in cases with relevant disease (PMID: 32606552, 31920494, 39039281). Relevant functional assessments of this variant are not available in the literature. S2711L has been observed in referenced population frequency databases. In summary, there is insufficient evidence to classify NM_014363.4(SACS):c.8132C>T(S2711L) as pathogenic or benign. Please note: this variant was assessed in the context of healthy population screening.

Centre of Medical Genetics, University Hospital Muenster
Classification: Uncertain significance. Last evaluated: 2024-10-22. Review status: criteria provided, single submitter. Criteria: ACMG Guidelines, 2015. Collection method: clinical testing. Allele origin: unknown. Affected: yes. Observed: 1 variant allele, 1 heterozygote.
Comment: ACMG categories: PM2_sup,PM3,PP3

Natera, Inc.
Classification: Likely pathogenic for Charlevoix-Saguenay type spastic ataxia. Last evaluated: 2024-08-30. Review status: criteria provided, single submitter. Criteria: Natera Variant Classification Schema (03/2026). Collection method: clinical testing. Allele origin: germline.
Comment: The c.8132C>T variant in SACS is a missense variant predicted to cause substitution of serine to leucine at amino acid 2711. This variant is rare in the general population with a frequency below the threshold expected for the associated phenotype(s). This variant has been observed in one or more individuals affected with the associated recessive disease, as either homozygous or compound heterozygous with a second variant (PMID: 31920494, 35008978). Computational prediction algorithms indicate this variant is likely to affect gene or protein function. Given the available evidence, this variant is classified as Likely Pathogenic.

Fulgent Genetics
Classification: Likely pathogenic for Charlevoix-Saguenay spastic ataxia. Last evaluated: 2024-05-29. Review status: criteria provided, single submitter. Criteria: ACMG Guidelines, 2015. Collection method: clinical testing. Allele origin: germline.

Women's Health and Genetics/Laboratory Corporation of America, LabCorp
Classification: Uncertain significance. Last evaluated: 2023-09-01. Review status: criteria provided, single submitter. Criteria: LabCorp Variant Classification Summary - May 2015. Collection method: clinical testing. Allele origin: germline.
Comment: Variant summary: SACS c.8132C>T (p.Ser2711Leu) results in a non-conservative amino acid change in the encoded protein sequence. Five of five in-silico tools predict a damaging effect of the variant on protein function. The variant allele was found at a frequency of 1.2e-05 in 250996 control chromosomes (gnomAD). c.8132C>T has been reported in the literature as a compound heterozygous genotype in at least two individuals affected with Autosomal Recessive Spastic Ataxia Of Charlevoix-Saguenay (ARSACS) (e.g. Yu_2019, Agarwal_2020). These data indicate that the variant may be associated with disease. To our knowledge, no experimental evidence demonstrating an impact on protein function has been reported. The following publications have been ascertained in the context of this evaluation (PMID: 32606552, 31920494). One submitter has cited a clinical-significance assessment for this variant to ClinVar after 2014 and has classified the variant as uncertain significance. Based on the evidence outlined above, the variant was classified as VUS-possibly pathogenic.

Baylor Genetics
Classification: Likely pathogenic for Charlevoix-Saguenay spastic ataxia. Last evaluated: 2023-04-05. Review status: criteria provided, single submitter. Criteria: ACMG Guidelines, 2015. Collection method: clinical testing. Allele origin: unknown.

PROSPAX: an integrated multimodal progression  chart in spastic ataxias, Center for Neurology; Hertie-Institute for Clinical Brain Research
Classification: Uncertain significance for Charlevoix-Saguenay spastic ataxia. Last evaluated: 2022-01-01. Review status: criteria provided, single submitter. Criteria: ACMG Guidelines, 2015. Collection method: research. Allele origin: germline. Affected: yes. Observed: 2 variant alleles, 2 compound heterozygotes.

Literature cited by the submitters: PubMed 31920494 (cited by 4 submitters); PubMed 32606552 (cited by 3 submitters); PubMed 39039281 (cited by Labcorp Genetics (formerly Invitae), Labcorp and Myriad Genetics, Inc.); PubMed 35008978 (cited by Natera, Inc.).